The following is an entry in ClinVar:

ClinVar aggregate classification (germline): Uncertain significance (1 of 4 stars; one submission).

gnomAD v4.1: 4 of 1,614,174 alleles (0.00025%); highest among the groups gnomAD compares: Non-Finnish European, 0.00034%; no homozygotes.

Submission:

Labcorp Genetics (formerly Invitae), Labcorp
Classification: Uncertain significance. Last evaluated: 2024-10-22. Review status: criteria provided, single submitter. Criteria: Invitae Variant Classification Sherloc (09022015). Collection method: clinical testing. Allele origin: germline.
Comment: This sequence change replaces phenylalanine, which is neutral and non-polar, with leucine, which is neutral and non-polar, at codon 1481 of the DUOX2 protein (p.Phe1481Leu). This variant is not present in population databases (gnomAD no frequency). This variant has not been reported in the literature in individuals affected with DUOX2-related conditions. Invitae Evidence Modeling of protein sequence and biophysical properties (such as structural, functional, and spatial information, amino acid conservation, physicochemical variation, residue mobility, and thermodynamic stability) indicates that this missense variant is not expected to disrupt DUOX2 protein function with a negative predictive value of 95%. In summary, the available evidence is currently insufficient to determine the role of this variant in disease. Therefore, it has been classified as a Variant of Uncertain Significance.

NM_001363711.2(DUOX2):c.4443C>G (p.Phe1481Leu)

Gene: DUOX2 (dual oxidase 2; minus strand). Cytogenetic location: 15q21.1.
Variant type: single nucleotide variant.
Coding change: c.4443C>G on transcript NM_001363711.2 (MANE Select); coding-DNA position 4443, C replaced by G.
Protein change: p.Phe1481Leu; replaces phenylalanine 1481 with leucine.
Molecular consequence: missense variant.
Genome position (GRCh38, 1-based): chr15:45,094,644, G>C on the plus strand (C>G on the coding strand, the complement: DUOX2 is on the minus strand). VCF-style: chr15-45094644-G-C. GRCh37 (hg19) VCF-style: chr15-45386842-G-C.
Other names: c.4443C>G, p.Phe1481Leu (NM_014080.5); short protein forms F1481L.
Identifiers: ClinVar variation 3612845 (VCV003612845.2).